The following is an entry in ClinVar:

ClinVar aggregate classification (germline): Uncertain significance (1 of 4 stars; one submission).

Allele frequency attached by ClinVar (database versions not stated): ExAC 0.00001; TOPMed 0.00001.
gnomAD v4.1: 11 of 1,614,058 alleles (0.00068%); highest among the groups gnomAD compares: African/African-American, 0.004%; no homozygotes.

Submission:

Labcorp Genetics (formerly Invitae), Labcorp
Classification: Uncertain significance. Last evaluated: 2024-01-11. Review status: criteria provided, single submitter. Criteria: Invitae Variant Classification Sherloc (09022015). Collection method: clinical testing. Allele origin: germline.
Comment: This sequence change replaces aspartic acid, which is acidic and polar, with asparagine, which is neutral and polar, at codon 1727 of the ARID1B protein (p.Asp1727Asn). This variant is present in population databases (rs771781497, gnomAD 0.007%). This missense change has been observed in individual(s) with clinical features of ARID1B-related conditions (PMID: 30459321). Advanced modeling of protein sequence and biophysical properties (such as structural, functional, and spatial information, amino acid conservation, physicochemical variation, residue mobility, and thermodynamic stability) has been performed at Invitae for this missense variant, however the output from this modeling did not meet the statistical confidence thresholds required to predict the impact of this variant on ARID1B protein function. In summary, the available evidence is currently insufficient to determine the role of this variant in disease. Therefore, it has been classified as a Variant of Uncertain Significance.

Literature cited by the submitters: PubMed 30459321.

NM_001374828.1(ARID1B):c.5548G>A (p.Asp1850Asn)

Gene: ARID1B (AT-rich interaction domain 1B; plus strand). Cytogenetic location: 6q25.3.
Variant type: single nucleotide variant.
Coding change: c.5548G>A on transcript NM_001374828.1 (MANE Select); coding-DNA position 5548, G replaced by A.
Protein change: p.Asp1850Asn; replaces aspartic acid 1850 with asparagine.
Molecular consequence: missense variant.
Genome position (GRCh38, 1-based): chr6:157,206,320, G>A. VCF-style: chr6-157206320-G-A. GRCh37 (hg19) VCF-style: chr6-157527454-G-A.
Other names: c.5299G>A, p.Asp1767Asn (NM_001346813.1); c.3049G>A, p.Asp1017Asn (NM_001363725.2); c.5428G>A, p.Asp1810Asn (NM_001371656.1, NM_001374820.1); c.5389G>A, p.Asp1797Asn (NM_017519.3); c.5179G>A, p.Asp1727Asn (NM_020732.3); c.4966G>A, p.Asp1656Asn (NM_175863.2); short protein forms D1017N, D1727N, D1797N, D1656N, D1850N, D1767N, D1810N.
Identifiers: ClinVar variation 2896505 (VCV002896505.3), dbSNP rs771781497, ClinGen allele CA4067858.